The following is an entry in ClinVar:

NM_198253.3(TERT):c.2286+5G>A

Gene: TERT (telomerase reverse transcriptase; minus strand). Cytogenetic location: 5p15.33.
Variant type: single nucleotide variant.
Coding change: c.2286+5G>A on transcript NM_198253.3 (MANE Select); 5 bases into the intron after coding-DNA position 2286, G replaced by A.
Molecular consequence: intron variant.
Genome position (GRCh38, 1-based): chr5:1,278,636, C>T on the plus strand (G>A on the coding strand, the complement: TERT is on the minus strand). VCF-style: chr5-1278636-C-T. GRCh37 (hg19) VCF-style: chr5-1278751-C-T.
Other names: c.2286+5G>A (NM_001193376.3).
Identifiers: ClinVar variation 1519926 (VCV001519926.6), dbSNP rs1060502997, ClinGen allele CA2573138568.

ClinVar aggregate classification (germline): Uncertain significance (1 of 4 stars; one submission).

Conditions:
Dyskeratosis congenita, autosomal dominant 2. Identifiers: MedGen C3151443, MONDO:0013521, OMIM 613989.
Idiopathic Pulmonary Fibrosis. Also called: Idiopathic fibrosing alveolitis, chronic form; idiopathic fibrosing alveolitis. Identifiers: Orphanet 2032, MedGen C1800706, MeSH D054990, MONDO:0800504.

gnomAD v4.1: 1 of 1,613,898 alleles (0.000062%); highest among the groups gnomAD compares: Non-Finnish European, 0.000085%; no homozygotes.

Submission:

Labcorp Genetics (formerly Invitae), Labcorp
Classification: Uncertain significance for Dyskeratosis congenita, autosomal dominant 2; Idiopathic Pulmonary Fibrosis. Last evaluated: 2023-08-16. Review status: criteria provided, single submitter. Criteria: Invitae Variant Classification Sherloc (09022015). Collection method: clinical testing. Allele origin: germline.
Comment: This variant has not been reported in the literature in individuals affected with TERT-related conditions. This variant is not present in population databases (gnomAD no frequency). This sequence change falls in intron 6 of the TERT gene. It does not directly change the encoded amino acid sequence of the TERT protein. It affects a nucleotide within the consensus splice site. ClinVar contains an entry for this variant (Variation ID: 1519926). In summary, the available evidence is currently insufficient to determine the role of this variant in disease. Therefore, it has been classified as a Variant of Uncertain Significance. Variants that disrupt the consensus splice site are a relatively common cause of aberrant splicing (PMID: 17576681, 9536098). Algorithms developed to predict the effect of sequence changes on RNA splicing suggest that this variant may disrupt the consensus splice site.

Literature cited by the submitters: PubMed 17576681; PubMed 9536098.